The following is an entry in ClinVar:

NM_001278716.2(FBXL4):c.1533C>A (p.Asp511Glu)

Gene: FBXL4 (F-box and leucine rich repeat protein 4; minus strand). Cytogenetic location: 6q16.1.
Variant type: single nucleotide variant.
Coding change: c.1533C>A on transcript NM_001278716.2 (MANE Select); coding-DNA position 1533, C replaced by A.
Protein change: p.Asp511Glu; replaces aspartic acid 511 with glutamic acid.
Molecular consequence: missense variant. On other transcripts: non-coding transcript variant (1).
Genome position (GRCh38, 1-based): chr6:98,875,584, G>T on the plus strand (C>A on the coding strand, the complement: FBXL4 is on the minus strand). VCF-style: chr6-98875584-G-T. GRCh37 (hg19) VCF-style: chr6-99323460-G-T.
Other names: c.1533C>A, p.Asp511Glu (NM_012160.5); short protein forms D511E.
Identifiers: ClinVar variation 437767 (VCV000437767.1), dbSNP rs764855095, ClinGen allele CA3933428.
Genomic context (GRCh38, chr6:98,875,584, plus strand): 5'-CTGGTGTGCCAGTCTGGTGAAGCACCCGGTGCTGCTCTGCAGAGTTGGGCACCAGCCAAG[G>T]TCAAGCTCCTCCAGTAGTGGACACCCAGAAGCCAGTTCTGCTATTCCATTCTCAGTAATA-3'
Protein context (NP_001265645.1, residues 501-521): ASGCPLLEEL[Asp511Glu]LGWCPTLQSS

ClinVar aggregate classification (germline): Uncertain significance (1 of 4 stars; one submission).

Conditions:
Mitochondrial DNA depletion syndrome 13. Also called: FBXL4-Related Encephalomyopathic Mitochondrial DNA Depletion Syndrome; Mitochondrial DNA depletion syndrome 13 (encephalomyopathic type). Identifiers: Orphanet 369897, MedGen C3809592, MONDO:0014198, OMIM 615471.

Allele frequency attached by ClinVar (database versions not stated): gnomAD exomes below 0.00001; ExAC 0.00001.
gnomAD v4.1: 1 of 1,614,102 alleles (0.000062%); highest among the groups gnomAD compares: South Asian, 0.0011%; no homozygotes.

Submission:

Wong Mito Lab, Molecular and Human Genetics, Baylor College of Medicine
Classification: Uncertain significance for Mitochondrial DNA depletion syndrome 13. Last evaluated: 2017-08-10. Review status: criteria provided, single submitter. Criteria: ACMG Guidelines, 2015. Collection method: reference population. Allele origin: germline.
Comment: The NM_012160.4:c.1533C>A (NP_036292.2:p.Asp511Glu) [GRCH38: NC_000006.12:g.98875584G>T] variant in FBXL4 gene is interpretated to be a Uncertain Significance - Insufficient Evidence based on ACMG guidelines (PMID: 25741868). This variant meets one or more of the following evidence codes reported in the ACMG-guideline. PM2:This variant is absent in key population databases. PP3:Computational evidence/predictors indicate the variant has deleterious effect on FBXL4 structure, function, or protein-protein interaction. Based on this evidence code ClinGen Pathogenicity Calculator (PMID:28081714) suggested that the variant is Uncertain Significance - Insufficient Evidence.